The following is an entry in ClinVar:

ClinVar aggregate classification (germline): Conflicting classifications of pathogenicity. Review status: criteria provided, conflicting classifications (1 of 4 stars). 8 submissions from 8 submitters: Uncertain significance (3); Likely benign (2). 3 of the submissions do not count toward it. Last evaluated 2026-01-26.

Conditions:
IL17RA-related disorder. Also called: IL17RA-related condition.
Immunodeficiency 51 (IMD51). Also called: CANDIDIASIS, FAMILIAL, 5. Identifiers: Orphanet 1334, MedGen C4310803, MONDO:0013500, OMIM 613953.

Allele frequency attached by ClinVar (database versions not stated): 1000 Genomes Project 0.00060; 1000 Genomes Project 30x 0.00062; TOPMed 0.00111; ESP Exome Variant Server 0.00161; gnomAD 0.00249.

Submissions (8):

Labcorp Genetics (formerly Invitae), Labcorp
Classification: Likely benign for Immunodeficiency 51. Last evaluated: 2026-01-26. Review status: criteria provided, single submitter. Criteria: Invitae Variant Classification Sherloc (09022015). Collection method: clinical testing. Allele origin: germline.

Blueprint Genetics
Classification: Uncertain significance. Last evaluated: 2024-11-01. Review status: criteria provided, single submitter. Criteria: ACMG Guidelines, 2015. Collection method: clinical testing. Allele origin: germline.

CeGaT Center for Human Genetics Tuebingen
Classification: Uncertain significance. Last evaluated: 2019-11-01. Review status: criteria provided, single submitter. Criteria: CeGaT Center For Human Genetics Tuebingen Variant Classification Criteria Version 2. Collection method: clinical testing. Allele origin: germline. Affected: yes. Observed: 1 variant allele.

Baylor Genetics
Classification: Uncertain significance for Immunodeficiency 51. Last evaluated: 2018-04-25. Review status: criteria provided, single submitter. Criteria: ACMG Guidelines, 2015. Collection method: clinical testing. Allele origin: unknown. Affected: yes.
Comment: This variant was determined to be of uncertain significance according to ACMG Guidelines, 2015 [PMID:25741868].

Illumina Laboratory Services, Illumina
Classification: Likely benign for Immunodeficiency 51. Last evaluated: 2018-01-12. Review status: criteria provided, single submitter. Criteria: ICSL Variant Classification Criteria 13 December 2019. Collection method: clinical testing. Allele origin: germline.
Comment: This variant was observed in the ICSL laboratory as part of a predisposition screen in an ostensibly healthy population. It had not been previously curated by ICSL or reported in the Human Gene Mutation Database (HGMD: prior to June 1st, 2018), and was therefore a candidate for classification through an automated scoring system. Utilizing variant allele frequency, disease prevalence and penetrance estimates, and inheritance mode, an automated score was calculated to assess if this variant is too frequent to cause the disease. Based on the score and internal cut-off values, a variant classified as likely benign is not then subjected to further curation. The score for this variant resulted in a classification of likely benign for this disease.

PreventionGenetics, part of Exact Sciences
Classification: Likely benign for IL17RA-related condition. Last evaluated: 2023-07-28. Review status: no assertion criteria provided. Collection method: clinical testing. Allele origin: germline. Not counted in ClinVar's aggregate classification.
Comment: This variant is classified as likely benign based on ACMG/AMP sequence variant interpretation guidelines (Richards et al. 2015 PMID: 25741868, with internal and published modifications).

Clinical Genetics DNA and cytogenetics Diagnostics Lab, Erasmus MC, Erasmus Medical Center
Classification: Uncertain significance. Review status: no assertion criteria provided. Collection method: clinical testing. Allele origin: germline. Affected: yes. Study: VKGL Data-share Consensus. Not counted in ClinVar's aggregate classification.

Diagnostic Laboratory, Department of Genetics, University Medical Center Groningen
Classification: Uncertain significance. Review status: no assertion criteria provided. Collection method: clinical testing. Allele origin: germline. Affected: yes. Study: VKGL Data-share Consensus. Not counted in ClinVar's aggregate classification.

NM_014339.7(IL17RA):c.1174G>T (p.Val392Leu)

Gene: IL17RA (interleukin 17 receptor A; plus strand). Cytogenetic location: 22q11.1.
Variant type: single nucleotide variant.
Coding change: c.1174G>T on transcript NM_014339.7 (MANE Select); coding-DNA position 1174, G replaced by T.
Protein change: p.Val392Leu; replaces valine 392 with leucine.
Molecular consequence: missense variant.
Genome position (GRCh38, 1-based): chr22:17,108,393, G>T. VCF-style: chr22-17108393-G-T. GRCh37 (hg19) VCF-style: chr22-17589283-G-T.
Other names: c.1072G>T, p.Val358Leu (NM_001289905.2); short protein forms V392L, V358L.
Identifiers: ClinVar variation 542925 (VCV000542925.62), dbSNP rs146478431, ClinGen allele CA10086690.